The following is an entry in ClinVar:

NM_001040108.2(MLH3):c.374A>G (p.Gln125Arg)

Gene: MLH3 (mutL homolog 3; minus strand). Cytogenetic location: 14q24.3.
Variant type: single nucleotide variant.
Coding change: c.374A>G on transcript NM_001040108.2 (MANE Select); coding-DNA position 374, A replaced by G.
Protein change: p.Gln125Arg; replaces glutamine 125 with arginine.
Molecular consequence: missense variant.
Genome position (GRCh38, 1-based): chr14:75,049,282, T>C on the plus strand (A>G on the coding strand, the complement: MLH3 is on the minus strand). VCF-style: chr14-75049282-T-C. GRCh37 (hg19) VCF-style: chr14-75515985-T-C.
Other names: c.374A>G, p.Gln125Arg (NM_014381.3); short protein forms Q125R.
Identifiers: ClinVar variation 1734535 (VCV001734535.2), dbSNP rs2503330159, ClinGen allele CA390450733.
Genomic context (GRCh38, chr14:75,049,282, plus strand): 5'-GTAGTCCCAGCGCTTGCTCTAGTCACATCAGCTTCACAAGCTTTCAGGGCTTTTCCACTC[T>C]GAAACAGTTTCACAAAAGTTTTCATTGTCCTGTTTTTCTTGGACGAAATTTCCACAGCAC-3'
Protein context (NP_001035197.1, residues 115-135): RTMKTFVKLF[Gln125Arg]SGKALKACEA

ClinVar aggregate classification (germline): Uncertain significance (1 of 4 stars; one submission).

Submission:

Ambry Genetics
Classification: Uncertain significance. Last evaluated: 2021-10-08. Review status: criteria provided, single submitter. Criteria: Ambry Variant Classification Scheme 2023. Collection method: clinical testing. Allele origin: germline.
Comment: The p.Q125R variant (also known as c.374A>G), located in coding exon 1 of the MLH3 gene, results from an A to G substitution at nucleotide position 374. The glutamine at codon 125 is replaced by arginine, an amino acid with highly similar properties. This amino acid position is conserved. In addition, the in silico prediction for this alteration is inconclusive. Since supporting evidence is limited at this time, the clinical significance of this alteration remains unclear.